The following is an entry in ClinVar:

ClinVar aggregate classification (germline): Uncertain significance (1 of 4 stars; one submission).

Submission:

GeneDx
Classification: Uncertain significance. Last evaluated: 2026-03-13. Review status: criteria provided, single submitter. Criteria: GeneDx Variant Classification Process June 2021. Collection method: clinical testing. Allele origin: germline.
Comment: Not observed at significant frequency in large population cohorts (gnomAD); In silico analysis supports that this missense variant has a deleterious effect on protein structure/function; Has not been previously published as pathogenic or benign to our knowledge

NM_003128.3(SPTBN1):c.2960A>G (p.Asp987Gly)

Gene: SPTBN1 (spectrin beta, non-erythrocytic 1; plus strand). Cytogenetic location: 2p16.2.
Variant type: single nucleotide variant.
Coding change: c.2960A>G on transcript NM_003128.3 (MANE Select); coding-DNA position 2960, A replaced by G.
Protein change: p.Asp987Gly; replaces aspartic acid 987 with glycine.
Molecular consequence: missense variant.
Genome position (GRCh38, 1-based): chr2:54,631,007, A>G. VCF-style: chr2-54631007-A-G. GRCh37 (hg19) VCF-style: chr2-54858144-A-G.
Other names: c.2921A>G, p.Asp974Gly (NM_178313.3); short protein forms D974G, D987G.
Identifiers: ClinVar variation 5009207 (VCV005009207.1).